The following is an entry in ClinVar:

ClinVar aggregate classification (germline): Conflicting classifications of pathogenicity. Review status: criteria provided, conflicting classifications (1 of 4 stars). 11 submissions from 11 submitters: Uncertain significance (8); Likely benign (2). 1 of the submissions does not count toward it. Last evaluated 2026-04-02.

Conditions:
MSH6-related disorder. Also called: MSH6-related condition; MSH6-Related disorders.
Hereditary nonpolyposis colorectal neoplasms. Identifiers: MedGen C0009405, MeSH D003123.
Hereditary cancer-predisposing syndrome. Also called: Neoplastic Syndromes, Hereditary; Tumor predisposition; Hereditary Cancer Syndrome; Hereditary neoplastic syndrome. Identifiers: Orphanet 140162, MedGen C0027672, MeSH D009386, MONDO:0015356.
Lynch syndrome. Identifiers: Orphanet 144, MedGen C4552100, MONDO:0005835. Disease mechanism: loss of function.
Lynch syndrome 5 (LYNCH5). Also called: Colorectal cancer, hereditary nonpolyposis, type 5; Hereditary non-polyposis colorectal cancer, type 5. Identifiers: Orphanet 144, MedGen C1833477, MONDO:0013710, OMIM 614350. Disease mechanism: loss of function.

Allele frequency attached by ClinVar (database versions not stated): TOPMed below 0.00001; ExAC 0.00001; gnomAD 0.00001 and 0.00002; gnomAD exomes 0.00002.
gnomAD v4.1: 22 of 1,610,232 alleles (0.0014%); highest among the groups gnomAD compares: African/African-American, 0.004%; no homozygotes.

Submissions (11):

PreventionGenetics, part of Exact Sciences
Classification: Uncertain significance for MSH6-related condition. Last evaluated: 2026-04-02. Review status: criteria provided, single submitter. Criteria: ACMG Guidelines, 2015. Collection method: clinical testing. Allele origin: germline.
Comment: The MSH6 c.94G>T variant is predicted to result in the amino acid substitution p.Gly32Cys. This variant has been reported as a variant of uncertain significance in individuals with pancreatic ductal adenocarcinoma (Shindo et al 2017. PubMed ID: 28767289; eAppendix 1, Hu et al. 2020. PubMed ID: 32659497). This variant was also reported in an individual from a hereditary breast and ovarian cancer cohort (Patient 14-6C in Table S13A, Caminsky et al. 2016. PubMed ID: 26898890). This variant is reported in 0.0091% of alleles in individuals of African descent in gnomAD and has conflicting interpretations of pathogenicity in ClinVar ranging from likely benign to uncertain (Variation ID: 216325﻿). At this time, the clinical significance of this variant is uncertain due to the absence of conclusive functional and genetic evidence.

Ambry Genetics
Classification: Likely benign for Hereditary cancer-predisposing syndrome. Last evaluated: 2025-11-10. Review status: criteria provided, single submitter. Criteria: Ambry Variant Classification Scheme 2023. Collection method: clinical testing. Allele origin: germline.

Labcorp Genetics (formerly Invitae), Labcorp
Classification: Likely benign for Hereditary nonpolyposis colorectal neoplasms. Last evaluated: 2025-08-11. Review status: criteria provided, single submitter. Criteria: Invitae Variant Classification Sherloc (09022015). Collection method: clinical testing. Allele origin: germline.

Color Diagnostics, LLC DBA Color Health
Classification: Uncertain significance for Hereditary cancer-predisposing syndrome. Last evaluated: 2025-04-14. Review status: criteria provided, single submitter. Criteria: ACMG Guidelines, 2015. Collection method: clinical testing. Allele origin: germline.
Comment: This missense variant replaces glycine with cysteine at codon 32 of the MSH6 protein. Computational prediction suggests that this variant may not impact protein structure and function. To our knowledge, functional studies have not been reported for this variant. This variant has been reported in individuals affected with pancreatic (PMID: 28767289), or breast cancer (PMID: 26898890). This variant has been identified in 7/266950 chromosomes in the general population by the Genome Aggregation Database (gnomAD). The available evidence is insufficient to determine the role of this variant in disease conclusively. Therefore, this variant is classified as a Variant of Uncertain Significance.

Center for Genomic Medicine, Rigshospitalet, Copenhagen University Hospital
Classification: Uncertain significance. Last evaluated: 2025-03-04. Review status: criteria provided, single submitter. Criteria: ACMG Guidelines, 2015. Collection method: clinical testing. Allele origin: germline.

Quest Diagnostics Nichols Institute San Juan Capistrano
Classification: Uncertain significance. Last evaluated: 2024-11-22. Review status: criteria provided, single submitter. Criteria: Quest Diagnostics criteria. Collection method: clinical testing. Allele origin: unknown.
Comment: The MSH6 c.94G>T (p.Gly32Cys) variant has been reported in the published literature in individuals with pancreatic cancer (PMIDs: 28767289 (2017) and 32659497 (2020)), breast cancer (PMIDs: 26898890 (2016) and 34326862 (2021)), as well as in an individual with colorectal cancer (PMID: 37937776 (2023)). The frequency of this variant in the general population, 0.000034 (4/119152 chromosomes (Genome Aggregation Database)), is uninformative in the assessment of its pathogenicity. Analysis of this variant using bioinformatics tools for the prediction of the effect of amino acid changes on protein structure and function yielded predictions that this variant is benign. Based on the available information, we are unable to determine the clinical significance of this variant.

All of Us Research Program, National Institutes of Health
Classification: Uncertain significance for Lynch syndrome. Last evaluated: 2023-12-13. Review status: criteria provided, single submitter. Criteria: ACMG Guidelines, 2015. Collection method: clinical testing. Allele origin: germline. Inheritance: Autosomal dominant inheritance. Observed: 2 variant alleles, 2 heterozygotes.
Comment: This missense variant replaces glycine with cysteine at codon 32 of the MSH6 protein. Computational prediction suggests that this variant may not impact protein structure and function (internally defined REVEL score threshold <= 0.5, PMID: 27666373). To our knowledge, functional studies have not been reported for this variant. This variant has not been reported in individuals affected with pancreatic (PMID: 28767289), or breast cancer (PMID: 26898890). This variant has been identified in 7/266950 chromosomes in the general population by the Genome Aggregation Database (gnomAD). The available evidence is insufficient to determine the role of this variant in disease conclusively. Therefore, this variant is classified as a Variant of Uncertain Significance.

This study involves interpretation of variants in research participants for the purpose of population health screening. Participant phenotype was not available at the time of variant classification. Additional details can be found in publication PMID: 35346344, PMCID: PMC8962531

Women's Health and Genetics/Laboratory Corporation of America, LabCorp
Classification: Uncertain significance. Last evaluated: 2023-06-07. Review status: criteria provided, single submitter. Criteria: LabCorp Variant Classification Summary - May 2015. Collection method: clinical testing. Allele origin: germline.
Comment: Variant summary: MSH6 c.94G>T (p.Gly32Cys) results in a non-conservative amino acid change located in the PWWP domain (IPR000313) of the encoded protein sequence. Three of five in-silico tools predict a benign effect of the variant on protein function. The variant allele was found at a frequency of 2.1e-05 in 235638 control chromosomes. The available data on variant occurrences in the general population are insufficient to allow any conclusion about variant significance. c.94G>T has been reported in the literature in individuals affected with breast cancer or pancreatic cancer (examples: Caminsky_2016, Shindo_2017). These report(s) do not provide unequivocal conclusions about association of the variant with Lynch Syndrome. To our knowledge, no experimental evidence demonstrating an impact on protein function has been reported. The following publications have been ascertained in the context of this evaluation (PMID: 26898890, 28767289). Six clinical diagnostic laboratories have submitted clinical-significance assessments for this variant to ClinVar after 2014 without evidence for independent evaluation, classifying the variant as uncertain significance (n=5) or likely beningn (n=1). Based on the evidence outlined above, the variant was classified as uncertain significance.

Myriad Genetics, Inc.
Classification: Uncertain significance for Lynch syndrome 5. Last evaluated: 2023-03-28. Review status: criteria provided, single submitter. Criteria: Myriad Autosomal Dominant, Autosomal Recessive and X-Linked Classification Criteria (2023). Collection method: clinical testing. Allele origin: unknown.
Comment: This variant is classified as a variant of uncertain significance as there is insufficient evidence to determine its impact on protein function and/or cancer risk.

GeneDx
Classification: Uncertain significance. Last evaluated: 2022-04-26. Review status: criteria provided, single submitter. Criteria: GeneDx Variant Classification Process June 2021. Collection method: clinical testing. Allele origin: germline. Affected: yes.
Comment: Not observed at a significant frequency in large population cohorts (gnomAD); In silico analysis supports that this missense variant does not alter protein structure/function; Observed in individuals with a personal or family history of breast, pancreatic, or ovarian cancer (Caminsky 2016, Shindo 2017, Hu 2020); This variant is associated with the following publications: (PMID: 22949387, 26898890, 28767289, 32659497)

Counsyl
Classification: Uncertain significance for Lynch syndrome 5. Last evaluated: 2018-04-06. Review status: no assertion criteria provided. Collection method: clinical testing. Allele origin: unknown. Not counted in ClinVar's aggregate classification.

Literature cited by the submitters: PubMed 26898890 (cited by 6 submitters); PubMed 28767289 (cited by 6 submitters); PubMed 32659497 (cited by Ambry Genetics and Quest Diagnostics Nichols Institute San Juan Capistrano); PubMed 34326862 (cited by Quest Diagnostics Nichols Institute San Juan Capistrano); PubMed 37937776 (cited by Quest Diagnostics Nichols Institute San Juan Capistrano).

NM_000179.3(MSH6):c.94G>T (p.Gly32Cys)

Gene: MSH6 (mutS homolog 6; plus strand). Cytogenetic location: 2p16.3.
Variant type: single nucleotide variant.
Coding change: c.94G>T on transcript NM_000179.3 (MANE Select); coding-DNA position 94, G replaced by T.
Protein change: p.Gly32Cys; replaces glycine 32 with cysteine.
Molecular consequence: missense variant. On other transcripts: 5 prime UTR variant (1).
Genome position (GRCh38, 1-based): chr2:47,783,327, G>T. VCF-style: chr2-47783327-G-T. GRCh37 (hg19) VCF-style: chr2-48010466-G-T.
Other names: c.94G>T, p.Gly32Cys (NM_001281492.2); c.-643G>T (NM_001281493.2); short protein forms G32C.
Identifiers: ClinVar variation 216325 (VCV000216325.33), dbSNP rs776859837, ClinGen allele CA073625.
Genomic context (GRCh38, chr2:47,783,327, plus strand): 5'-CCCAAGTCTCCGGCGCTGAGTGATGCCAACAAGGCCTCGGCCAGGGCCTCACGCGAAGGC[G>T]GCCGTGCCGCCGCTGCCCCCGGGGCCTCTCCTTCCCCAGGCGGGGATGCGGCCTGGAGCG-3'
Protein context (NP_000170.1, residues 22-42): KASARASREG[Gly32Cys]RAAAAPGASP